The following is an entry in ClinVar:

ClinVar aggregate classification (germline): Likely benign (1 of 4 stars; one submission).

Submission:

GeneDx
Classification: Likely benign. Last evaluated: 2017-09-08. Review status: criteria provided, single submitter. Criteria: GeneDx Variant Classification (06012015). Collection method: clinical testing. Allele origin: germline. Affected: yes.
Comment: This variant is considered likely benign or benign based on one or more of the following criteria: it is a conservative change, it occurs at a poorly conserved position in the protein, it is predicted to be benign by multiple in silico algorithms, and/or has population frequency not consistent with disease.

NM_054012.4(ASS1):c.-10G>A

Gene: ASS1 (argininosuccinate synthase 1; plus strand). Cytogenetic location: 9q34.11.
Variant type: single nucleotide variant.
Coding change: c.-10G>A on transcript NM_054012.4 (MANE Select); 10 bases upstream of the start codon, G replaced by A.
Molecular consequence: 5 prime UTR variant.
Genome position (GRCh38, 1-based): chr9:130,444,991, G>A. VCF-style: chr9-130444991-G-A. GRCh37 (hg19) VCF-style: chr9-133320378-G-A.
Other names: c.-72G>A (NM_000050.4).
Identifiers: ClinVar variation 511622 (VCV000511622.1), dbSNP rs1554980960, ClinGen allele CA658797304.